The following is an entry in ClinVar:

ClinVar aggregate classification (germline): Uncertain significance. Review status: criteria provided, multiple submitters, no conflicts (2 of 4 stars). 4 submissions from 4 submitters: Uncertain significance (3). 1 of the submissions does not count toward it. Last evaluated 2025-02-17.

Conditions:
Inborn genetic diseases. Identifiers: MedGen C0950123, MeSH D030342.
VPS13B-related disorder. Also called: VPS13B-related condition.
Cohen syndrome (COH1). Also called: PEPPER SYNDROME; Cutis verticis gyrata, retinitis pigmentosa, and sensorineural deafness. Identifiers: Orphanet 193, MedGen C0265223, MONDO:0008999, OMIM 216550.

Allele frequency attached by ClinVar (database versions not stated): gnomAD exomes below 0.00001 and 0.00001.
gnomAD v4.1: 4 of 1,613,724 alleles (0.00025%); highest among the groups gnomAD compares: Admixed American, 0.005%; no homozygotes.

Submissions (4):

PreventionGenetics, part of Exact Sciences
Classification: Uncertain significance for VPS13B-related condition. Last evaluated: 2025-02-17. Review status: criteria provided, single submitter. Criteria: ACMG Guidelines, 2015. Collection method: clinical testing. Allele origin: germline.
Comment: The VPS13B c.1924A>G variant is predicted to result in the amino acid substitution p.Ser642Gly. To our knowledge, this variant has not been reported in the literature. This variant is reported in 0.0087% of alleles in individuals of Latino descent in gnomAD and is interpreted as uncertain in ClinVar. At this time, the clinical significance of this variant is uncertain due to the absence of conclusive functional and genetic evidence.

Labcorp Genetics (formerly Invitae), Labcorp
Classification: Uncertain significance for Cohen syndrome. Last evaluated: 2022-08-23. Review status: criteria provided, single submitter. Criteria: Invitae Variant Classification Sherloc (09022015). Collection method: clinical testing. Allele origin: germline.
Comment: This sequence change replaces serine, which is neutral and polar, with glycine, which is neutral and non-polar, at codon 642 of the VPS13B protein (p.Ser642Gly). This variant is present in population databases (no rsID available, gnomAD 0.009%). This variant has not been reported in the literature in individuals affected with VPS13B-related conditions. ClinVar contains an entry for this variant (Variation ID: 959110). Algorithms developed to predict the effect of missense changes on protein structure and function are either unavailable or do not agree on the potential impact of this missense change (SIFT: "Not Available"; PolyPhen-2: "Possibly Damaging"; Align-GVGD: "Not Available"). Algorithms developed to predict the effect of sequence changes on RNA splicing suggest that this variant may create or strengthen a splice site. In summary, the available evidence is currently insufficient to determine the role of this variant in disease. Therefore, it has been classified as a Variant of Uncertain Significance.

Ambry Genetics
Classification: Uncertain significance for Inborn genetic diseases. Last evaluated: 2021-11-05. Review status: criteria provided, single submitter. Criteria: Ambry Variant Classification Scheme 2023. Collection method: clinical testing. Allele origin: germline.

Natera, Inc.
Classification: Uncertain significance for Cohen syndrome. Last evaluated: 2020-03-31. Review status: no assertion criteria provided. Collection method: clinical testing. Allele origin: germline. Not counted in ClinVar's aggregate classification.

NM_152564.5(VPS13B):c.1924A>G (p.Ser642Gly)

Gene: VPS13B (vacuolar protein sorting 13 homolog B; plus strand). Cytogenetic location: 8q22.2.
Variant type: single nucleotide variant.
Coding change: c.1924A>G on transcript NM_152564.5 (MANE Select); coding-DNA position 1924, A replaced by G.
Protein change: p.Ser642Gly; replaces serine 642 with glycine.
Molecular consequence: missense variant.
Genome position (GRCh38, 1-based): chr8:99,147,921, A>G. VCF-style: chr8-99147921-A-G. GRCh37 (hg19) VCF-style: chr8-100160149-A-G.
Other names: c.1924A>G (NM_017890.3, NM_152564.4); c.1924A>G, p.Ser642Gly (NM_015243.3, NM_017890.5); short protein forms S642G.
Identifiers: ClinVar variation 959110 (VCV000959110.9), dbSNP rs1294611505, ClinGen allele CA371864397.